The following is an entry in ClinVar:

NM_000426.4(LAMA2):c.5724dup (p.Gly1909fs)

Gene: LAMA2 (laminin subunit alpha 2; plus strand). Cytogenetic location: 6q22.33.
Variant type: Duplication.
Coding change: c.5724dup on transcript NM_000426.4 (MANE Select); coding-DNA position 5724, one base duplicated (T; older notation c.5724dupT).
Protein change: p.Gly1909fs; shifts the reading frame from glycine 1909.
Molecular consequence: frameshift variant.
Genome position (GRCh38, 1-based): chr6:129,402,485, T duplicated. VCF-style (leftmost placement, unchanged base first): chr6-129402484-A-AT. GRCh37 (hg19) VCF-style: chr6-129723629-A-AT.
Other names: c.5724dup, p.Gly1909fs (NM_001079823.2); short protein forms G1909fs.
Identifiers: ClinVar variation 5013088 (VCV005013088.1).
Genomic context (GRCh38, chr6:129,402,484, plus strand): 5'-AGAAGGTGTCCCAGGCTGAGAGCCACGCAGCTCAGTTGAATGACTCATCTGCTGTCCTTG[A>AT]TGGGTATGTCATTTGTTTTTGGAAATGTTTGTGTATTTTGATGCTTGTCCAAAGGTTTTG-3'

ClinVar aggregate classification (germline): Pathogenic (1 of 4 stars; one submission).

Conditions:
LAMA2-related muscular dystrophy (LAMA2-RD). Also called: Laminin alpha 2-related dystrophy. Identifiers: MedGen C5679788, MONDO:0100228.

Submission:

Myriad Genetics, Inc.
Classification: Pathogenic for LAMA2-related muscular dystrophy. Last evaluated: 2024-05-22. Review status: criteria provided, single submitter. Criteria: Myriad Autosomal Dominant, Autosomal Recessive and X-Linked Classification Criteria (2023). Collection method: clinical testing. Allele origin: unknown.
Comment: NM_000426.3(LAMA2):c.5724dupT(G1909Wfs*4) is expected to be pathogenic in the context of muscular dystrophy, LAMA2-related. This variant is predicted to lead to an abnormal or absent protein product due to the creation of a premature termination codon in LAMA2, a gene where loss-of-function variants are known to be pathogenic. Please note: this variant was assessed in the context of healthy population screening.